The following is an entry in ClinVar:

NM_000891.3(KCNJ2):c.923C>T (p.Thr308Met)

Gene: KCNJ2 (potassium inwardly rectifying channel subfamily J member 2; plus strand). Cytogenetic location: 17q24.3.
Variant type: single nucleotide variant.
Coding change: c.923C>T on transcript NM_000891.3 (MANE Select); coding-DNA position 923, C replaced by T.
Protein change: p.Thr308Met; replaces threonine 308 with methionine.
Molecular consequence: missense variant.
Genome position (GRCh38, 1-based): chr17:70,175,962, C>T. VCF-style: chr17-70175962-C-T. GRCh37 (hg19) VCF-style: chr17-68172103-C-T.
Other names: short protein forms T308M.
Identifiers: ClinVar variation 2163983 (VCV002163983.4), dbSNP rs748053853, ClinGen allele CA8738778.
Genomic context (GRCh38, chr17:70,175,962, plus strand): 5'-ACAACGCAGACTTTGAAATCGTGGTCATACTGGAAGGCATGGTGGAAGCCACTGCCATGA[C>T]GACACAGTGCCGTAGCTCTTATCTAGCAAATGAAATCCTGTGGGGCCACCGCTATGAGCC-3'
Protein context (NP_000882.1, residues 298-318): LEGMVEATAM[Thr308Met]TQCRSSYLAN

ClinVar aggregate classification (germline): Uncertain significance (1 of 4 stars; one submission).

Conditions:
Andersen Tawil syndrome (LQT7). Also called: ANDERSEN CARDIODYSRHYTHMIC PERIODIC PARALYSIS; LONG QT SYNDROME 7; PERIODIC PARALYSIS, POTASSIUM-SENSITIVE CARDIODYSRHYTHMIC TYPE; Andersen Syndrome; Potassium-sensitive periodic paralysis, ventricular ectopy, and dysmorphic features. Identifiers: Orphanet 37553, MedGen C1563715, MONDO:0008222, OMIM 170390.
Short QT syndrome type 3. Identifiers: Orphanet 51083, MedGen C1865018, MONDO:0012314, OMIM 609622.

Allele frequency attached by ClinVar (database versions not stated): gnomAD exomes below 0.00001; ExAC 0.00001; gnomAD 0.00001.
gnomAD v4.1: 3 of 1,613,904 alleles (0.00019%); highest among the groups gnomAD compares: Non-Finnish European, 0.000085%; no homozygotes.

Submission:

Labcorp Genetics (formerly Invitae), Labcorp
Classification: Uncertain significance for Short QT syndrome type 3; Andersen Tawil syndrome. Last evaluated: 2026-01-19. Review status: criteria provided, single submitter. Criteria: Invitae Variant Classification Sherloc (09022015). Collection method: clinical testing. Allele origin: germline.
Comment: This sequence change replaces threonine, which is neutral and polar, with methionine, which is neutral and non-polar, at codon 308 of the KCNJ2 protein (p.Thr308Met). This variant is present in population databases (rs748053853, gnomAD 0.004%). This variant has not been reported in the literature in individuals affected with KCNJ2-related conditions. ClinVar contains an entry for this variant (Variation ID: 2163983). Invitae Evidence Modeling of protein sequence and biophysical properties (such as structural, functional, and spatial information, amino acid conservation, physicochemical variation, residue mobility, and thermodynamic stability) has been performed for this missense variant. However, the output from this modeling did not meet the statistical confidence thresholds required to predict the impact of this variant on KCNJ2 protein function. In summary, the available evidence is currently insufficient to determine the role of this variant in disease. Therefore, it has been classified as a Variant of Uncertain Significance.